The following is an entry in ClinVar:

NM_201548.5(CERKL):c.271G>T (p.Glu91Ter)

Gene: CERKL (CERK like autophagy regulator; minus strand). Cytogenetic location: 2q31.3.
Variant type: single nucleotide variant.
Coding change: c.271G>T on transcript NM_201548.5 (MANE Select); coding-DNA position 271, G replaced by T.
Protein change: p.Glu91Ter; replaces glutamic acid 91 with a stop codon.
Molecular consequence: nonsense. On other transcripts: non-coding transcript variant (2).
Genome position (GRCh38, 1-based): chr2:181,604,047, C>A on the plus strand (G>T on the coding strand, the complement: CERKL is on the minus strand). VCF-style: chr2-181604047-C-A. GRCh37 (hg19) VCF-style: chr2-182468774-C-A.
Other names: c.271G>T (NM_001030311.2); c.271G>T, p.Glu91Ter (NM_001030311.3, NM_001030312.3, NM_001030313.3 and 3 more transcripts); short protein forms E91*.
Identifiers: ClinVar variation 2017481 (VCV002017481.6), dbSNP rs748876465, ClinGen allele CA2010879.
Genomic context (GRCh38, chr2:181,604,047, plus strand): 5'-GTTTAACAGAACAACGCCGTTTCAGTTTCACAGAGAATATGTCTTTGAGTTCAATAAATT[C>A]TTCTTTACATAGCAAGTCATACTTAGAATCACCTGAAAAAAAAATAAATTTTCCAATTAA-3'

ClinVar aggregate classification (germline): Pathogenic/Likely pathogenic. Review status: criteria provided, multiple submitters, no conflicts (2 of 4 stars). 3 submissions from 3 submitters: Pathogenic (2); Likely pathogenic (1). Last evaluated 2024-03-18.

Conditions:
CERKL-related disorders.
Retinitis pigmentosa 26 (RP26). Identifiers: Orphanet 791, MedGen C1842127, MONDO:0012024, OMIM 608380.

Allele frequency attached by ClinVar (database versions not stated): TOPMed below 0.00001; ExAC 0.00001; gnomAD 0.00001; gnomAD exomes 0.00001.
gnomAD v4.1: 11 of 1,604,002 alleles (0.00069%); highest among the groups gnomAD compares: Non-Finnish European, 0.00068%; no homozygotes.

Submissions (3):

Natera, Inc.
Classification: Pathogenic for Retinitis Pigmentosa 26. Last evaluated: 2024-03-18. Review status: criteria provided, single submitter. Criteria: Natera Variant Classification Schema (03/2026). Collection method: clinical testing. Allele origin: germline.
Comment: The c.271G>T variant in CERKL is a nonsense variant predicted to introduce a stop codon at amino acid 91. This variant is expected to result in nonsense mediated decay, truncation, or a dysfunctional protein product. This variant is rare in the general population with a frequency below the threshold expected for the associated phenotype(s). This variant has been observed in one or more individuals affected with the associated recessive disease, as either homozygous or compound heterozygous with a second variant (PMID: 37331655). Given the available evidence, this variant is classified as Pathogenic.

Blueprint Genetics
Classification: Likely pathogenic for CERKL-related disorders. Last evaluated: 2023-05-22. Review status: criteria provided, single submitter. Criteria: ACMG Guidelines, 2015. Collection method: clinical testing. Allele origin: germline. Affected: yes. Observed: 3 variant alleles.

Labcorp Genetics (formerly Invitae), Labcorp
Classification: Pathogenic. Last evaluated: 2022-07-15. Review status: criteria provided, single submitter. Criteria: Invitae Variant Classification Sherloc (09022015). Collection method: clinical testing. Allele origin: germline.
Comment: For these reasons, this variant has been classified as Pathogenic. This variant has not been reported in the literature in individuals affected with CERKL-related conditions. This variant is present in population databases (rs748876465, gnomAD 0.002%). This sequence change creates a premature translational stop signal (p.Glu91*) in the CERKL gene. It is expected to result in an absent or disrupted protein product. Loss-of-function variants in CERKL are known to be pathogenic (PMID: 14681825, 23591405, 24043777).

Literature cited by the submitters: PubMed 37331655 (cited by Natera, Inc.); PubMed 14681825 (cited by Labcorp Genetics (formerly Invitae), Labcorp); PubMed 23591405 (cited by Labcorp Genetics (formerly Invitae), Labcorp); PubMed 24043777 (cited by Labcorp Genetics (formerly Invitae), Labcorp).